The following is an entry in ClinVar:

NM_000045.4(ARG1):c.104G>A (p.Gly35Asp)

Genes: ARG1 (arginase 1; plus strand), MED23 (mediator complex subunit 23; minus strand). Cytogenetic location: 6q23.2.
Variant type: single nucleotide variant.
Coding change: c.104G>A on transcript NM_000045.4 (MANE Select); coding-DNA position 104, G replaced by A.
Protein change: p.Gly35Asp; replaces glycine 35 with aspartic acid.
Molecular consequence: missense variant. On other transcripts: intron variant (2).
Genome position (GRCh38, 1-based): chr6:131,576,709, G>A. VCF-style: chr6-131576709-G-A. GRCh37 (hg19) VCF-style: chr6-131897849-G-A.
Other names: c.104G>A, p.Gly35Asp (NM_001244438.2, NM_001369020.1); c.4078-2414C>T (NM_001270521.2); c.4096-2414C>T (NM_015979.4); short protein forms G35D.
Identifiers: ClinVar variation 1936190 (VCV001936190.4), dbSNP rs2482334522, ClinGen allele CA365649816.
Genomic context (GRCh38, chr6:131,576,709, plus strand): 5'-TTTTAATTGTTCAGCCACGAGGAGGGGTGGAAGAAGGCCCTACAGTATTGAGAAAGGCTG[G>A]TCTGCTTGAGAAACTTAAAGAACAAGGTAATTTTTAAGTTGAAAAATGATCAGCCTGATT-3'
Protein context (NP_000036.2, residues 25-45): EEGPTVLRKA[Gly35Asp]LLEKLKEQEC

ClinVar aggregate classification (germline): Uncertain significance (1 of 4 stars; one submission).

Conditions:
Arginase deficiency. Also called: ARGININEMIA; ARG1 DEFICIENCY; Arginase 1 Deficiency. Identifiers: Orphanet 90, MedGen C0268548, MONDO:0008814, OMIM 207800.

Submission:

Labcorp Genetics (formerly Invitae), Labcorp
Classification: Uncertain significance for Arginase deficiency. Last evaluated: 2024-05-15. Review status: criteria provided, single submitter. Criteria: Invitae Variant Classification Sherloc (09022015). Collection method: clinical testing. Allele origin: germline.
Comment: This sequence change replaces glycine, which is neutral and non-polar, with aspartic acid, which is acidic and polar, at codon 35 of the ARG1 protein (p.Gly35Asp). This variant is not present in population databases (gnomAD no frequency). This variant has not been reported in the literature in individuals affected with ARG1-related conditions. ClinVar contains an entry for this variant (Variation ID: 1936190). Advanced modeling of protein sequence and biophysical properties (such as structural, functional, and spatial information, amino acid conservation, physicochemical variation, residue mobility, and thermodynamic stability) performed at Invitae indicates that this missense variant is not expected to disrupt ARG1 protein function with a negative predictive value of 80%. In summary, the available evidence is currently insufficient to determine the role of this variant in disease. Therefore, it has been classified as a Variant of Uncertain Significance.